The following is an entry in ClinVar:

ClinVar aggregate classification (germline): Uncertain significance (1 of 4 stars; one submission).

Conditions:
Hereditary cancer-predisposing syndrome. Also called: Tumor predisposition; Neoplastic Syndromes, Hereditary; Hereditary neoplastic syndrome; Hereditary Cancer Syndrome. Identifiers: Orphanet 140162, MedGen C0027672, MeSH D009386, MONDO:0015356.

Submission:

Ambry Genetics
Classification: Uncertain significance for Hereditary cancer-predisposing syndrome. Last evaluated: 2025-08-27. Review status: criteria provided, single submitter. Criteria: Ambry Variant Classification Scheme 2023. Collection method: clinical testing. Allele origin: germline.
Comment: The p.K38Q variant (also known as c.112A>C), located in coding exon 2 of the MUTYH gene, results from an A to C substitution at nucleotide position 112. The lysine at codon 38 is replaced by glutamine, an amino acid with similar properties. This amino acid position is conserved. In addition, this alteration is predicted to be tolerated by in silico analysis. Based on the available evidence, the clinical significance of this variant remains unclear.

NM_001048174.2(MUTYH):c.70A>C (p.Lys24Gln)

Gene: MUTYH (mutY DNA glycosylase; minus strand). Cytogenetic location: 1p34.1.
Variant type: single nucleotide variant.
Coding change: c.70A>C on transcript NM_001048174.2 (MANE Select); coding-DNA position 70, A replaced by C.
Protein change: p.Lys24Gln; replaces lysine 24 with glutamine.
Molecular consequence: missense variant. On other transcripts: 5 prime UTR variant (7), non-coding transcript variant (7).
Genome position (GRCh38, 1-based): chr1:45,334,436, T>G on the plus strand (A>C on the coding strand, the complement: MUTYH is on the minus strand). VCF-style: chr1-45334436-T-G. GRCh37 (hg19) VCF-style: chr1-45800108-T-G.
Other names: c.70A>C, p.Lys24Gln (NM_001048171.2, NM_001407070.1, NM_001407071.1 and 15 more transcripts); c.-138A>C (NM_001350651.2, NM_001407082.1); c.112A>C, p.Lys38Gln (NM_001407069.1, NM_001407073.1, NM_012222.3 and 2 more transcripts); c.-87A>C (NM_001407075.1); c.88A>C, p.Lys30Gln (NM_001407087.1); c.-143A>C (NM_001407091.1, NM_001293192.2, NM_001293196.2); c.-202A>C (NM_001350650.2); short protein forms K30Q, K24Q, K38Q.
Identifiers: ClinVar variation 4113036 (VCV004113036.1).